The following is an entry in ClinVar:

NM_001267550.2(TTN):c.71407del (p.Ala23803fs)

Genes: TTN (titin; minus strand), TTN-AS1 (TTN antisense RNA 1; plus strand). Cytogenetic location: 2q31.2.
Variant type: Deletion.
Coding change: c.71407del on transcript NM_001267550.2 (MANE Select); coding-DNA position 71407, one base deleted (G; older notation c.71407delG).
Protein change: p.Ala23803fs; shifts the reading frame from alanine 23803.
Molecular consequence: frameshift variant.
Genome position (GRCh38, 1-based): chr2:178,574,725, C deleted on the plus strand (G on the coding strand, the reverse complement: TTN is on the minus strand). VCF-style (leftmost placement, unchanged base first): chr2-178574724-GC-G. GRCh37 (hg19) VCF-style: chr2-179439451-GC-G.
Other names: c.66484del, p.Ala22162fs (NM_001256850.1); c.44212del, p.Ala14738fs (NM_003319.4); c.63703del, p.Ala21235fs (NM_133378.4); c.44587del, p.Ala14863fs (NM_133432.3); c.44788del, p.Ala14930fs (NM_133437.4); short protein forms A14863fs, A14738fs, A23803fs, A22162fs, A14930fs, A21235fs.
Identifiers: ClinVar variation 2922177 (VCV002922177.3), dbSNP rs2468642899, ClinGen allele CA2740096024.

ClinVar aggregate classification (germline): Likely pathogenic (1 of 4 stars; one submission).

Conditions:
Dilated cardiomyopathy 1G (CMD1G). Identifiers: Orphanet 154, MedGen C1858763, MONDO:0011400, OMIM 604145.
Autosomal recessive limb-girdle muscular dystrophy type 2J (LGMDR10). Also called: Limb-girdle muscular dystrophy, type 2J; MUSCULAR DYSTROPHY, LIMB-GIRDLE, AUTOSOMAL RECESSIVE 10. Identifiers: Orphanet 140922, MedGen C1837342, MONDO:0012127, OMIM 608807.

Submission:

Labcorp Genetics (formerly Invitae), Labcorp
Classification: Likely pathogenic for Dilated cardiomyopathy 1G; Autosomal recessive limb-girdle muscular dystrophy type 2J. Last evaluated: 2024-05-17. Review status: criteria provided, single submitter. Criteria: Invitae Variant Classification Sherloc (09022015). Collection method: clinical testing. Allele origin: germline.
Comment: This sequence change creates a premature translational stop signal (p.Ala23803Leufs*16) in the TTN gene. While this is not anticipated to result in nonsense mediated decay, it is expected to create a truncated TTN protein. This variant is not present in population databases (gnomAD no frequency). This variant has not been reported in the literature in individuals affected with TTN-related conditions. This variant is located in the A band of TTN (PMID: 25589632). Truncating variants in this region are significantly overrepresented in patients affected with dilated cardiomyopathy (PMID: 25589632). Truncating variants in this region have also been reported in individuals affected with autosomal recessive centronuclear myopathy (PMID: 23975875). In summary, the currently available evidence indicates that the variant is pathogenic, but additional data are needed to prove that conclusively. Therefore, this variant has been classified as Likely Pathogenic.

Literature cited by the submitters: PubMed 25589632; PubMed 23975875.